The following is an entry in ClinVar:

Conditions:
Long QT syndrome 5 (LQT5). Identifiers: Orphanet 101016, Orphanet 768, MedGen C1867904, MONDO:0013372, OMIM 613695.

Submission:

Roden Lab, Vanderbilt University Medical Center
No classification provided (evidence only). Condition: Long QT syndrome 5. Review status: no classification provided. Collection method: in vitro. Allele origin: not applicable. Functional consequence: Effect on ion channel function.
ClinVar note: "not provided" was previously submitted as the classification for the variant. However, the classification appeared to be based only on an observation of functional data so it was converted to no classification on 2025-07-30.

NM_000219.6(KCNE1):c.362A>G (p.His121Arg)

Gene: KCNE1 (potassium voltage-gated channel subfamily E regulatory subunit 1; minus strand). Cytogenetic location: 21q22.12.
Variant type: single nucleotide variant.
Coding change: c.362A>G on transcript NM_000219.6 (MANE Select); coding-DNA position 362, A replaced by G.
Protein change: p.His121Arg; replaces histidine 121 with arginine.
Molecular consequence: missense variant.
Genome position (GRCh38, 1-based): chr21:34,449,273, T>C on the plus strand (A>G on the coding strand, the complement: KCNE1 is on the minus strand). VCF-style: chr21-34449273-T-C. GRCh37 (hg19) VCF-style: chr21-35821571-T-C.
Other names: c.362A>G, p.His121Arg (NM_001127668.4, NM_001127669.4, NM_001127670.4 and 4 more transcripts); short protein forms H121R.
Identifiers: ClinVar variation 3373817 (VCV003373817.2).
Genomic context (GRCh38, chr21:34,449,273, plus strand): 5'-AGGATGTGTCCAGTTTTAGCCAGTGGTGGGGTTCATGGGGAAGGCTTCGTCTCAGGAAGG[T>C]GTGTGTTGGGTTGTTCTATGGCCAGATGGTTTTCAACGACATAGCACGACCTGTAGCTCT-3'
Protein context (NP_000210.2, residues 111-129): NHLAIEQPNT[His121Arg]LPETKPSP